The following is an entry in ClinVar:

ClinVar aggregate classification (germline): Likely benign. Review status: criteria provided, single submitter (1 of 4 stars). 2 submissions from 2 submitters: Likely benign (1). 1 of the submissions does not count toward it. Last evaluated 2026-01-24.

Conditions:
CHRNE-related disorder. Also called: CHRNE-related condition.
Congenital myasthenic syndrome 4A. Also called: Myasthenic syndrome, congenital, 4a, slow-channel; MYASTHENIC SYNDROME, CONGENITAL, 4A, SLOW-CHANNEL, AUTOSOMAL RECESSIVE; CONGENITAL MYASTHENIC SYNDROME TYPE Ia1. Identifiers: Orphanet 590, MedGen C4225413, MONDO:0011600, OMIM 605809.

Allele frequency attached by ClinVar (database versions not stated): gnomAD exomes below 0.00001; TOPMed 0.00001; gnomAD 0.00003.

Submissions (2):

Labcorp Genetics (formerly Invitae), Labcorp
Classification: Likely benign for Congenital myasthenic syndrome 4A. Last evaluated: 2026-01-24. Review status: criteria provided, single submitter. Criteria: Invitae Variant Classification Sherloc (09022015). Collection method: clinical testing. Allele origin: germline.

PreventionGenetics, part of Exact Sciences
Classification: Likely benign for CHRNE-related condition. Last evaluated: 2020-03-27. Review status: no assertion criteria provided. Collection method: clinical testing. Allele origin: germline. Not counted in ClinVar's aggregate classification.
Comment: This variant is classified as likely benign based on ACMG/AMP sequence variant interpretation guidelines (Richards et al. 2015 PMID: 25741868, with internal and published modifications).

NM_000080.4(CHRNE):c.1220-14_1220-3dup

Gene: CHRNE (cholinergic receptor nicotinic epsilon subunit; minus strand). Cytogenetic location: 17p13.2.
Variant type: Duplication.
Coding change: c.1220-14_1220-3dup on transcript NM_000080.4 (MANE Select); 14 bases into the intron before coding-DNA position 1220 through 3 bases into the intron before coding-DNA position 1220, 12 bases duplicated (GTTTTCCCCGCC).
Molecular consequence: intron variant.
Genome position (GRCh38, 1-based): chr17:4,899,110-4,899,121, GGCGGGGAAAAC duplicated on the plus strand (GTTTTCCCCGCC on the coding strand, the reverse complement: CHRNE is on the minus strand). VCF-style (leftmost placement, unchanged base first): chr17-4899109-T-TGGCGGGGAAAAC. GRCh37 (hg19) VCF-style: chr17-4802404-T-TGGCGGGGAAAAC.
Other names: c.1220-14_1220-3dup12 (NM_000080.3).
Identifiers: ClinVar variation 2163627 (VCV002163627.6), dbSNP rs1969840591, ClinGen allele CA980970404.